The following is an entry in ClinVar:

ClinVar aggregate classification (germline): Uncertain significance (1 of 4 stars; one submission).

Conditions:
Joubert syndrome. Also called: CEREBELLOPARENCHYMAL DISORDER IV; JOUBERT-BOLTSHAUSER SYNDROME; Familial aplasia of the vermis. Identifiers: Orphanet 475, MedGen C5979921, MONDO:0018772.
Meckel-Gruber syndrome. Also called: DYSENCEPHALIA SPLANCHNOCYSTICA; GRUBER SYNDROME; Dysencephalia splachnocystica. Identifiers: Orphanet 564, MedGen C0265215, MONDO:0018921.

Submission:

Labcorp Genetics (formerly Invitae), Labcorp
Classification: Uncertain significance for Joubert syndrome; Meckel-Gruber syndrome. Last evaluated: 2022-08-21. Review status: criteria provided, single submitter. Criteria: Invitae Variant Classification Sherloc (09022015). Collection method: clinical testing. Allele origin: germline.
Comment: This sequence change replaces leucine, which is neutral and non-polar, with phenylalanine, which is neutral and non-polar, at codon 779 of the RPGRIP1L protein (p.Leu779Phe). This variant is not present in population databases (gnomAD no frequency). This variant has not been reported in the literature in individuals affected with RPGRIP1L-related conditions. Algorithms developed to predict the effect of missense changes on protein structure and function (SIFT, PolyPhen-2, Align-GVGD) all suggest that this variant is likely to be tolerated. In summary, the available evidence is currently insufficient to determine the role of this variant in disease. Therefore, it has been classified as a Variant of Uncertain Significance.

NM_015272.5(RPGRIP1L):c.2335C>T (p.Leu779Phe)

Gene: RPGRIP1L (RPGRIP1 like; minus strand). Cytogenetic location: 16q12.2.
Variant type: single nucleotide variant.
Coding change: c.2335C>T on transcript NM_015272.5 (MANE Select); coding-DNA position 2335, C replaced by T.
Protein change: p.Leu779Phe; replaces leucine 779 with phenylalanine.
Molecular consequence: missense variant.
Genome position (GRCh38, 1-based): chr16:53,645,973, G>A on the plus strand (C>T on the coding strand, the complement: RPGRIP1L is on the minus strand). VCF-style: chr16-53645973-G-A. GRCh37 (hg19) VCF-style: chr16-53679885-G-A.
Other names: c.2335C>T, p.Leu779Phe (NM_001127897.4, NM_001308334.3, NM_001330538.2); short protein forms L779F.
Identifiers: ClinVar variation 2178396 (VCV002178396.1), dbSNP rs2544109287, ClinGen allele CA395914840.
Genomic context (GRCh38, chr16:53,645,973, plus strand): 5'-AACATCTTATTGTAATGTGAAGTTCATTTAAGTTGCCATCTGTGGAATCTGTAGAACTGA[G>A]TTGAGCAGTTTTGGGTGCTTGCTGACTTAACTGGAAAAACATACATATTTATATTAAGGA-3'
Protein context (NP_056087.2, residues 769-789): LSQQAPKTAQ[Leu779Phe]SSTDSTDGNL